The following is an entry in ClinVar:

ClinVar aggregate classification (germline): Uncertain significance (1 of 4 stars; one submission).

Allele frequency attached by ClinVar (database versions not stated): ExAC 0.00001; gnomAD 0.00001; TOPMed 0.00001; gnomAD exomes 0.00003; ESP Exome Variant Server 0.00015.
gnomAD v4.1: 43 of 1,614,070 alleles (0.0027%); highest among the groups gnomAD compares: African/African-American, 0.004%; no homozygotes.

Submission:

Labcorp Genetics (formerly Invitae), Labcorp
Classification: Uncertain significance. Last evaluated: 2023-10-13. Review status: criteria provided, single submitter. Criteria: Invitae Variant Classification Sherloc (09022015). Collection method: clinical testing. Allele origin: germline.
Comment: This sequence change replaces cysteine, which is neutral and slightly polar, with tryptophan, which is neutral and slightly polar, at codon 399 of the TTLL5 protein (p.Cys399Trp). This variant is present in population databases (rs137910976, gnomAD 0.005%). This variant has not been reported in the literature in individuals affected with TTLL5-related conditions. ClinVar contains an entry for this variant (Variation ID: 963044). Advanced modeling of protein sequence and biophysical properties (such as structural, functional, and spatial information, amino acid conservation, physicochemical variation, residue mobility, and thermodynamic stability) has been performed at Invitae for this missense variant, however the output from this modeling did not meet the statistical confidence thresholds required to predict the impact of this variant on TTLL5 protein function. In summary, the available evidence is currently insufficient to determine the role of this variant in disease. Therefore, it has been classified as a Variant of Uncertain Significance.

NM_015072.5(TTLL5):c.1197C>G (p.Cys399Trp)

Gene: TTLL5 (tubulin tyrosine ligase like 5; plus strand). Cytogenetic location: 14q24.3.
Variant type: single nucleotide variant.
Coding change: c.1197C>G on transcript NM_015072.5 (MANE Select); coding-DNA position 1197, C replaced by G.
Protein change: p.Cys399Trp; replaces cysteine 399 with tryptophan.
Molecular consequence: missense variant.
Genome position (GRCh38, 1-based): chr14:75,735,205, C>G. VCF-style: chr14-75735205-C-G. GRCh37 (hg19) VCF-style: chr14-76201548-C-G.
Other names: short protein forms C399W.
Identifiers: ClinVar variation 963044 (VCV000963044.8), dbSNP rs137910976, ClinGen allele CA7279287.